The following is an entry in ClinVar:

NM_006420.3(ARFGEF2):c.3758-6C>T

Gene: ARFGEF2 (ARF guanine nucleotide exchange factor 2; plus strand). Cytogenetic location: 20q13.13.
Variant type: single nucleotide variant.
Coding change: c.3758-6C>T on transcript NM_006420.3 (MANE Select); 6 bases into the intron before coding-DNA position 3758, C replaced by T.
Molecular consequence: intron variant.
Genome position (GRCh38, 1-based): chr20:49,011,918, C>T. VCF-style: chr20-49011918-C-T. GRCh37 (hg19) VCF-style: chr20-47628455-C-T.
Other names: c.3758-6C>T (NM_006420.2).
Identifiers: ClinVar variation 1633417 (VCV001633417.9), dbSNP rs201525040, ClinGen allele CA9899032.

ClinVar aggregate classification (germline): Likely benign. Review status: criteria provided, multiple submitters, no conflicts (2 of 4 stars). 2 submissions from 2 submitters: Likely benign (2). Last evaluated 2025-10-08.

Conditions:
ARFGEF2-related disorder. Also called: ARFGEF2-related condition.

Allele frequency attached by ClinVar (database versions not stated): gnomAD 0.00001; TOPMed 0.00001; gnomAD exomes 0.00003; ExAC 0.00004; ESP Exome Variant Server 0.00015; 1000 Genomes Project 30x 0.00016; 1000 Genomes Project 0.00020.
gnomAD v4.1: 42 of 1,614,022 alleles (0.0026%); highest among the groups gnomAD compares: Non-Finnish European, 0.0036%; no homozygotes.

Submissions (2):

Labcorp Genetics (formerly Invitae), Labcorp
Classification: Likely benign. Last evaluated: 2025-10-08. Review status: criteria provided, single submitter. Criteria: Invitae Variant Classification Sherloc (09022015). Collection method: clinical testing. Allele origin: germline.

PreventionGenetics, part of Exact Sciences
Classification: Likely benign for ARFGEF2-related condition. Last evaluated: 2025-04-15. Review status: criteria provided, single submitter. Criteria: ACMG Guidelines, 2015. Collection method: clinical testing. Allele origin: germline.
Comment: This variant is classified as likely benign based on ACMG/AMP sequence variant interpretation guidelines (Richards et al. 2015 PMID: 25741868, with internal and published modifications).